The following is an entry in ClinVar:

ClinVar aggregate classification (germline): Likely benign (0 of 4 stars; one submission).

Conditions:
CSMD3-related disorder. Also called: CSMD3-related condition.

Allele frequency attached by ClinVar (database versions not stated): gnomAD exomes 0.00001; ExAC 0.00006; TOPMed 0.00009; 1000 Genomes Project 30x 0.00016; 1000 Genomes Project 0.00020; ESP Exome Variant Server 0.00023.
gnomAD v4.1: 26 of 1,613,498 alleles (0.0016%); highest among the groups gnomAD compares: African/African-American, 0.033%; no homozygotes.

Submission:

PreventionGenetics, part of Exact Sciences
Classification: Likely benign for CSMD3-related condition. Last evaluated: 2019-02-25. Review status: no assertion criteria provided. Collection method: clinical testing. Allele origin: germline.
Comment: This variant is classified as likely benign based on ACMG/AMP sequence variant interpretation guidelines (Richards et al. 2015 PMID: 25741868, with internal and published modifications).

NM_198123.2(CSMD3):c.10143A>G (p.Lys3381=)

Gene: CSMD3 (CUB and Sushi multiple domains 3; minus strand). Cytogenetic location: 8q23.3.
Variant type: single nucleotide variant.
Coding change: c.10143A>G on transcript NM_198123.2 (MANE Select); coding-DNA position 10143, A replaced by G.
Protein change: p.Lys3381=; no amino-acid change (lysine 3381 retained).
Molecular consequence: synonymous variant.
Genome position (GRCh38, 1-based): chr8:112,247,099, T>C on the plus strand (A>G on the coding strand, the complement: CSMD3 is on the minus strand). VCF-style: chr8-112247099-T-C. GRCh37 (hg19) VCF-style: chr8-113259328-T-C.
Other names: c.9543A>G, p.Lys3181= (NM_001363185.1); c.9636A>G, p.Lys3212= (NM_052900.3); c.10023A>G, p.Lys3341= (NM_198124.2).
Identifiers: ClinVar variation 3051164 (VCV003051164.2), dbSNP rs142018478, ClinGen allele CA4848469.